The following is an entry in ClinVar:

NM_001374736.1(DST):c.16899G>A (p.Ser5633=)

Gene: DST (dystonin; minus strand). Cytogenetic location: 6p12.1.
Variant type: single nucleotide variant.
Coding change: c.16899G>A on transcript NM_001374736.1 (MANE Select); coding-DNA position 16899, G replaced by A.
Protein change: p.Ser5633=; no amino-acid change (serine 5633 retained).
Molecular consequence: synonymous variant.
Genome position (GRCh38, 1-based): chr6:56,535,164, C>T on the plus strand (G>A on the coding strand, the complement: DST is on the minus strand). VCF-style: chr6-56535164-C-T. GRCh37 (hg19) VCF-style: chr6-56399962-C-T.
Other names: c.10542G>A, p.Ser3514= (NM_001144769.5); c.10128G>A, p.Ser3376= (NM_001144770.2); c.16899G>A, p.Ser5633= (NM_001374722.1); c.16266G>A, p.Ser5422= (NM_001374729.1); c.10008G>A, p.Ser3336= (NM_001374730.1, NM_001386100.1, NM_183380.4); c.16926G>A, p.Ser5642= (NM_001374734.1); c.9030G>A, p.Ser3010= (NM_015548.5).
Identifiers: ClinVar variation 3749493 (VCV003749493.2).

ClinVar aggregate classification (germline): Uncertain significance (1 of 4 stars; one submission).

Conditions:
Hereditary sensory and autonomic neuropathy type 6. Also called: HSAN VI; Neuropathy, hereditary sensory and autonomic, type VI. Identifiers: Orphanet 314381, MedGen C3539003, MONDO:0013839, OMIM 614653.
Epidermolysis bullosa simplex 3, localized or generalized intermediate, with BP230 deficiency (EBS3). Also called: Epidermolysis bullosa simplex due to BP230 deficiency; Epidermolysis bullosa simplex, autosomal recessive 2. Identifiers: Orphanet 412181, MedGen C3809470, MONDO:0014180, OMIM 615425.

gnomAD v4.1: 13 of 1,613,672 alleles (0.00081%); highest among the groups gnomAD compares: South Asian, 0.0099%; no homozygotes.

Submission:

Labcorp Genetics (formerly Invitae), Labcorp
Classification: Uncertain significance for Epidermolysis bullosa simplex 3, localized or generalized intermediate, with BP230 deficiency; Hereditary sensory and autonomic neuropathy type 6. Last evaluated: 2024-04-09. Review status: criteria provided, single submitter. Criteria: Invitae Variant Classification Sherloc (09022015). Collection method: clinical testing. Allele origin: germline.
Comment: The DST gene has multiple clinically relevant transcripts. This variant occurs in alternate transcript NM_015548.4, and corresponds to NM_001723.5:c.*80353G>A in the primary transcript. This sequence change affects codon 3010 of the DST mRNA. It is a 'silent' change, meaning that it does not change the encoded amino acid sequence of the DST protein. This variant is present in population databases (rs369986184, gnomAD 0.004%). This variant has not been reported in the literature in individuals affected with DST-related conditions. Experimental studies and prediction algorithms are not available or were not evaluated, and the effect of this variant on mRNA splicing is currently unknown. In summary, the available evidence is currently insufficient to determine the role of this variant in disease. Therefore, it has been classified as a Variant of Uncertain Significance.